The following is an entry in ClinVar:

NM_005632.3(CAPN15):c.1770C>T (p.Asp590=)

Gene: CAPN15 (calpain 15; plus strand). Cytogenetic location: 16p13.3.
Variant type: single nucleotide variant.
Coding change: c.1770C>T on transcript NM_005632.3 (MANE Select); coding-DNA position 1770, C replaced by T.
Protein change: p.Asp590=; no amino-acid change (aspartic acid 590 retained).
Molecular consequence: synonymous variant.
Genome position (GRCh38, 1-based): chr16:549,399, C>T. VCF-style: chr16-549399-C-T. GRCh37 (hg19) VCF-style: chr16-599399-C-T.
Identifiers: ClinVar variation 3038895 (VCV003038895.2), dbSNP rs149821359, ClinGen allele CA7778453.

ClinVar aggregate classification (germline): Benign (0 of 4 stars; one submission).

Conditions:
CAPN15-related disorder. Also called: CAPN15-related condition.

Allele frequency attached by ClinVar (database versions not stated): gnomAD exomes 0.00040; ExAC 0.00156; gnomAD 0.00370; ESP Exome Variant Server 0.00396; 1000 Genomes Project 0.00399; 1000 Genomes Project 30x 0.00406; TOPMed 0.00449.
gnomAD v4.1: 1,155 of 1,599,314 alleles (0.072%); highest among the groups gnomAD compares: African/African-American, 1.4%; 8 homozygotes.

Submission:

PreventionGenetics, part of Exact Sciences
Classification: Benign for CAPN15-related condition. Last evaluated: 2020-01-06. Review status: no assertion criteria provided. Collection method: clinical testing. Allele origin: germline.
Comment: This variant is classified as benign based on ACMG/AMP sequence variant interpretation guidelines (Richards et al. 2015 PMID: 25741868, with internal and published modifications).